The following is an entry in ClinVar:

NM_012144.4(DNAI1):c.1134C>G (p.Tyr378Ter)

Gene: DNAI1 (dynein axonemal intermediate chain 1; plus strand). Cytogenetic location: 9p13.3.
Variant type: single nucleotide variant.
Coding change: c.1134C>G on transcript NM_012144.4 (MANE Select); coding-DNA position 1134, C replaced by G.
Protein change: p.Tyr378Ter; replaces tyrosine 378 with a stop codon.
Molecular consequence: nonsense.
Genome position (GRCh38, 1-based): chr9:34,506,697, C>G. VCF-style: chr9-34506697-C-G. GRCh37 (hg19) VCF-style: chr9-34506695-C-G.
Other names: c.1146C>G, p.Tyr382Ter (NM_001281428.2); short protein forms Y382*, Y378*.
Identifiers: ClinVar variation 2030571 (VCV002030571.5), dbSNP rs2132076769, ClinGen allele CA373256478.
Genomic context (GRCh38, chr9:34,506,697, plus strand): 5'-GAAGCAGAGCCGGGGCATGCTGCTGCTCTACAGCCTGAAGAACCCCAGCTTCCCTGAGTA[C>G]ATGTTCAGCAGCAACAGCGGCGTCATGTGTCTCGACATCCACGTGGACCACCCCTACCTG-3'

ClinVar aggregate classification (germline): Pathogenic. Review status: criteria provided, multiple submitters, no conflicts (2 of 4 stars). 2 submissions from 2 submitters: Pathogenic (2). Last evaluated 2024-07-03.

Conditions:
Kartagener syndrome (CILD1). Also called: CILIARY DYSKINESIA, PRIMARY, 1; CILIARY DYSKINESIA, PRIMARY, 1, WITH OR WITHOUT SITUS INVERSUS; IMMOTILE CILIA SYNDROME; POLYNESIAN BRONCHIECTASIS; Dextrocardia bronchiectasis and sinusitis; SIEWERT SYNDROME. Identifiers: Orphanet 244, MedGen C4551906, MONDO:0009484, OMIM 244400.
Primary ciliary dyskinesia. Also called: Ciliary dyskinesia. Identifiers: Orphanet 244, MedGen C0008780, MONDO:0016575, HP:0012265.

Submissions (2):

Myriad Genetics, Inc.
Classification: Pathogenic for Kartagener syndrome. Last evaluated: 2024-07-03. Review status: criteria provided, single submitter. Criteria: Myriad Autosomal Dominant, Autosomal Recessive and X-Linked Classification Criteria (2023). Collection method: clinical testing. Allele origin: unknown.
Comment: NM_012144.2(DNAI1):c.1134C>G(Y378*) is expected to be pathogenic in the context of primary ciliary dyskinesia, DNAI1-related. This variant is predicted to lead to an abnormal or absent protein product due to the creation of a premature termination codon in DNAI1, a gene where loss-of-function variants are known to be pathogenic. Please note: this variant was assessed in the context of healthy population screening.

Labcorp Genetics (formerly Invitae), Labcorp
Classification: Pathogenic for Primary ciliary dyskinesia. Last evaluated: 2022-09-15. Review status: criteria provided, single submitter. Criteria: Invitae Variant Classification Sherloc (09022015). Collection method: clinical testing. Allele origin: germline.
Comment: This sequence change creates a premature translational stop signal (p.Tyr378*) in the DNAI1 gene. It is expected to result in an absent or disrupted protein product. Loss-of-function variants in DNAI1 are known to be pathogenic (PMID: 16858015, 29363216). This variant is not present in population databases (gnomAD no frequency). This variant has not been reported in the literature in individuals affected with DNAI1-related conditions. For these reasons, this variant has been classified as Pathogenic.

Literature cited by the submitters: PubMed 16858015 (cited by Labcorp Genetics (formerly Invitae), Labcorp); PubMed 29363216 (cited by Labcorp Genetics (formerly Invitae), Labcorp).